The following is an entry in ClinVar:

NM_000376.3(VDR):c.14C>T (p.Ala5Val)

Gene: VDR (vitamin D receptor; minus strand). Cytogenetic location: 12q13.11.
Variant type: single nucleotide variant.
Coding change: c.14C>T on transcript NM_000376.3 (MANE Select); coding-DNA position 14, C replaced by T.
Protein change: p.Ala5Val; replaces alanine 5 with valine.
Molecular consequence: missense variant.
Genome position (GRCh38, 1-based): chr12:47,879,100, G>A on the plus strand (C>T on the coding strand, the complement: VDR is on the minus strand). VCF-style: chr12-47879100-G-A. GRCh37 (hg19) VCF-style: chr12-48272883-G-A.
Other names: c.14C>T, p.Ala5Val (NM_001017535.2, NM_001364085.2, NM_001374661.1 and 1 more transcripts); c.164C>T, p.Ala55Val (NM_001017536.2); short protein forms A5V, A55V.
Identifiers: ClinVar variation 882357 (VCV000882357.7), dbSNP rs368441608, ClinGen allele CA6534107.

ClinVar aggregate classification (germline): Uncertain significance. Review status: criteria provided, multiple submitters, no conflicts (2 of 4 stars). 3 submissions from 3 submitters: Uncertain significance (3). Last evaluated 2025-06-12.

Conditions:
Vitamin D-dependent rickets type II with alopecia (VDDR2A). Also called: GENERALIZED RESISTANCE TO 1,25-DIHYDROXYVITAMIN D; HYPOCALCEMIC VITAMIN D-RESISTANT RICKETS; PDDR IIA; PSEUDOVITAMIN D-DEFICIENCY, TYPE IIA; RICKETS, HEREDITARY VITAMIN D-RESISTANT; RICKETS-ALOPECIA SYNDROME. Identifiers: Orphanet 93160, MedGen C0342646, MONDO:0010186, OMIM 277440.

Allele frequency attached by ClinVar (database versions not stated): gnomAD exomes 0.00001 and 0.00002; ExAC 0.00003; gnomAD 0.00003 and 0.00004; TOPMed 0.00003; ESP Exome Variant Server 0.00008.
gnomAD v4.1: 30 of 1,613,800 alleles (0.0019%); highest among the groups gnomAD compares: Admixed American, 0.005%; no homozygotes.

Submissions (3):

Labcorp Genetics (formerly Invitae), Labcorp
Classification: Uncertain significance. Last evaluated: 2025-06-12. Review status: criteria provided, single submitter. Criteria: Invitae Variant Classification Sherloc (09022015). Collection method: clinical testing. Allele origin: germline.
Comment: This sequence change replaces alanine, which is neutral and non-polar, with valine, which is neutral and non-polar, at codon 5 of the VDR protein (p.Ala5Val). This variant is present in population databases (rs368441608, gnomAD 0.008%). This variant has not been reported in the literature in individuals affected with VDR-related conditions. ClinVar contains an entry for this variant (Variation ID: 882357). An algorithm developed to predict the effect of missense changes on protein structure and function (PolyPhen-2) suggests that this variant is likely to be tolerated. In summary, the available evidence is currently insufficient to determine the role of this variant in disease. Therefore, it has been classified as a Variant of Uncertain Significance.

Fulgent Genetics
Classification: Uncertain significance for Vitamin D-dependent rickets type II with alopecia. Last evaluated: 2021-11-12. Review status: criteria provided, single submitter. Criteria: ACMG Guidelines, 2015. Collection method: clinical testing. Allele origin: unknown.

Illumina Laboratory Services, Illumina
Classification: Uncertain significance for Vitamin D-dependent rickets type II with alopecia. Last evaluated: 2018-01-13. Review status: criteria provided, single submitter. Criteria: ICSL Variant Classification Criteria 13 December 2019. Collection method: clinical testing. Allele origin: germline.